The following is an entry in ClinVar:

NM_000264.5(PTCH1):c.3199C>G (p.Leu1067Val)

Gene: PTCH1 (patched 1; minus strand). Cytogenetic location: 9q22.32.
Variant type: single nucleotide variant.
Coding change: c.3199C>G on transcript NM_000264.5 (MANE Select); coding-DNA position 3199, C replaced by G.
Protein change: p.Leu1067Val; replaces leucine 1067 with valine.
Molecular consequence: missense variant. On other transcripts: non-coding transcript variant (1).
Genome position (GRCh38, 1-based): chr9:95,456,383, G>C on the plus strand (C>G on the coding strand, the complement: PTCH1 is on the minus strand). VCF-style: chr9-95456383-G-C. GRCh37 (hg19) VCF-style: chr9-98218665-G-C.
Other names: c.3001C>G, p.Leu1001Val (NM_001083602.3); c.3196C>G, p.Leu1066Val (NM_001083603.3); c.2746C>G, p.Leu916Val (NM_001083604.3, NM_001083605.3, NM_001083606.3 and 1 more transcripts); c.3043C>G, p.Leu1015Val (NM_001354918.2); short protein forms L1001V, L1015V, L1066V, L1067V, L916V.
Identifiers: ClinVar variation 4801795 (VCV004801795.1).

ClinVar aggregate classification (germline): Uncertain significance (1 of 4 stars; one submission).

Conditions:
Gorlin syndrome. Also called: Nevoid Basal Cell Carcinoma Syndrome; Basal cell nevus syndrome. Identifiers: Orphanet 377, MedGen C0004779, MONDO:0007187.

Submission:

Labcorp Genetics (formerly Invitae), Labcorp
Classification: Uncertain significance for Gorlin syndrome. Last evaluated: 2025-10-23. Review status: criteria provided, single submitter. Criteria: Invitae Variant Classification Sherloc (09022015). Collection method: clinical testing. Allele origin: germline.
Comment: This sequence change replaces leucine, which is neutral and non-polar, with valine, which is neutral and non-polar, at codon 1067 of the PTCH1 protein (p.Leu1067Val). This variant is not present in population databases (gnomAD no frequency). This variant has not been reported in the literature in individuals affected with PTCH1-related conditions. Invitae Evidence Modeling of protein sequence and biophysical properties (such as structural, functional, and spatial information, amino acid conservation, physicochemical variation, residue mobility, and thermodynamic stability) has been performed for this missense variant. However, the output from this modeling did not meet the statistical confidence thresholds required to predict the impact of this variant on PTCH1 protein function. In summary, the available evidence is currently insufficient to determine the role of this variant in disease. Therefore, it has been classified as a Variant of Uncertain Significance.